The following is an entry in ClinVar:

ClinVar aggregate classification (germline): Uncertain significance (1 of 4 stars; one submission).

Conditions:
Kabuki syndrome. Also called: Kabuki make-up syndrome; NIIKAWA-KUROKI SYNDROME. Identifiers: Orphanet 2322, MedGen C0796004, MONDO:0016512.

Submission:

Labcorp Genetics (formerly Invitae), Labcorp
Classification: Uncertain significance for Kabuki syndrome. Last evaluated: 2022-07-17. Review status: criteria provided, single submitter. Criteria: Invitae Variant Classification Sherloc (09022015). Collection method: clinical testing. Allele origin: germline.
Comment: This variant is not present in population databases (gnomAD no frequency). In summary, the available evidence is currently insufficient to determine the role of this variant in disease. Therefore, it has been classified as a Variant of Uncertain Significance. Advanced modeling of protein sequence and biophysical properties (such as structural, functional, and spatial information, amino acid conservation, physicochemical variation, residue mobility, and thermodynamic stability) performed at Invitae indicates that this missense variant is not expected to disrupt KMT2D protein function. This variant has not been reported in the literature in individuals affected with KMT2D-related conditions. This sequence change replaces glycine, which is neutral and non-polar, with arginine, which is basic and polar, at codon 2602 of the KMT2D protein (p.Gly2602Arg).

NM_003482.4(KMT2D):c.7804G>A (p.Gly2602Arg)

Gene: KMT2D (lysine methyltransferase 2D; minus strand). Cytogenetic location: 12q13.12.
Variant type: single nucleotide variant.
Coding change: c.7804G>A on transcript NM_003482.4 (MANE Select); coding-DNA position 7804, G replaced by A.
Protein change: p.Gly2602Arg; replaces glycine 2602 with arginine.
Molecular consequence: missense variant.
Genome position (GRCh38, 1-based): chr12:49,039,966, C>T on the plus strand (G>A on the coding strand, the complement: KMT2D is on the minus strand). VCF-style: chr12-49039966-C-T. GRCh37 (hg19) VCF-style: chr12-49433749-C-T.
Other names: short protein forms G2602R.
Identifiers: ClinVar variation 1717251 (VCV001717251.5), dbSNP rs2120520347, ClinGen allele CA384746807.
Genomic context (GRCh38, chr12:49,039,966, plus strand): 5'-CGGGTGCAGGTGGTGGCAGAACCGACGGAGGGCGTAGTGGGGACAGCCCATAGCTCTCCC[C>T]TGTGGACCCGCTGCTGGGCCCCAGGGGGCTGCCCGATGGGTGGAAGTTCCCTGTGGCTAC-3'
Protein context (NP_003473.3, residues 2592-2612): SPLGPSSGST[Gly2602Arg]ESYGLSPLRP